The following is an entry in ClinVar:

ClinVar aggregate classification (germline): Uncertain significance (1 of 4 stars; one submission).

Submission:

Labcorp Genetics (formerly Invitae), Labcorp
Classification: Uncertain significance. Last evaluated: 2022-04-22. Review status: criteria provided, single submitter. Criteria: Invitae Variant Classification Sherloc (09022015). Collection method: clinical testing. Allele origin: germline.
Comment: In summary, the available evidence is currently insufficient to determine the role of this variant in disease. Therefore, it has been classified as a Variant of Uncertain Significance. Algorithms developed to predict the effect of missense changes on protein structure and function are either unavailable or do not agree on the potential impact of this missense change (SIFT: "Tolerated"; PolyPhen-2: "Possibly Damaging"; Align-GVGD: "Class C0"). This variant has not been reported in the literature in individuals affected with RAB11B-related conditions. This variant is not present in population databases (gnomAD no frequency). This sequence change replaces isoleucine, which is neutral and non-polar, with methionine, which is neutral and non-polar, at codon 175 of the RAB11B protein (p.Ile175Met).

NM_004218.4(RAB11B):c.525C>G (p.Ile175Met)

Gene: RAB11B (RAB11B, member RAS oncogene family; plus strand). Cytogenetic location: 19p13.2.
Variant type: single nucleotide variant.
Coding change: c.525C>G on transcript NM_004218.4 (MANE Select); coding-DNA position 525, C replaced by G.
Protein change: p.Ile175Met; replaces isoleucine 175 with methionine.
Molecular consequence: missense variant.
Genome position (GRCh38, 1-based): chr19:8,403,426, C>G. VCF-style: chr19-8403426-C-G. GRCh37 (hg19) VCF-style: chr19-8468310-C-G.
Other names: short protein forms I175M.
Identifiers: ClinVar variation 2129223 (VCV002129223.4), dbSNP rs199957705, ClinGen allele CA403716383.
Genomic context (GRCh38, chr19:8,403,426, plus strand): 5'-AGGGCACGTGCTGGCTCACCCCACGTCCCCCTGTACCCCCTTTGCAGAGATCTACCGCAT[C>G]GTGTCACAGAAACAGATCGCAGACCGCGCTGCCCACGACGAGTCCCCGGGGAACAACGTG-3'
Protein context (NP_004209.2, residues 165-185): FKNILTEIYR[Ile175Met]VSQKQIADRA